The following is an entry in ClinVar:

NM_003000.3(SDHB):c.547C>T (p.Leu183Phe)

Gene: SDHB (succinate dehydrogenase complex iron sulfur subunit B; minus strand). Cytogenetic location: 1p36.13.
Variant type: single nucleotide variant.
Coding change: c.547C>T on transcript NM_003000.3 (MANE Select); coding-DNA position 547, C replaced by T.
Protein change: p.Leu183Phe; replaces leucine 183 with phenylalanine.
Molecular consequence: missense variant.
Genome position (GRCh38, 1-based): chr1:17,024,068, G>A on the plus strand (C>T on the coding strand, the complement: SDHB is on the minus strand). VCF-style: chr1-17024068-G-A. GRCh37 (hg19) VCF-style: chr1-17350563-G-A.
Other names: short protein forms L183F.
Identifiers: ClinVar variation 580116 (VCV000580116.14), dbSNP rs1557740003, ClinGen allele CA338271446.

ClinVar aggregate classification (germline): Uncertain significance. Review status: criteria provided, multiple submitters, no conflicts (2 of 4 stars). 4 submissions from 4 submitters: Uncertain significance (4). Last evaluated 2026-05-12.

Conditions:
Hereditary cancer-predisposing syndrome. Also called: Hereditary Cancer Syndrome; Tumor predisposition; Neoplastic Syndromes, Hereditary; Hereditary neoplastic syndrome. Identifiers: Orphanet 140162, MedGen C0027672, MeSH D009386, MONDO:0015356.
Pheochromocytoma. Also called: MAX-Related Hereditary Paraganglioma-Pheochromocytoma Syndrome. Identifiers: Orphanet 29072, MedGen C0031511, MONDO:0008233, OMIM 171300, HP:0002666.
Pheochromocytoma/paraganglioma syndrome 4. Also called: PARAGANGLIOMA, FAMILIAL MALIGNANT; PARAGANGLIOMAS, HEREDITARY EXTRAADRENAL; PHEOCHROMOCYTOMA, FAMILIAL EXTRAADRENAL; SDHB-Related Hereditary Paraganglioma-Pheochromocytoma Syndrome (Paragangliomas 4); CAROTID BODY TUMORS AND MULTIPLE EXTRAADRENAL PHEOCHROMOCYTOMAS; SDHB-Related Hereditary Paraganglioma-Pheochromocytoma Syndrome. Identifiers: Orphanet 29072, MedGen C1861848, MONDO:0007273, OMIM 115310.
Gastrointestinal stromal tumor. Also called: Gastrointestinal stromal tumor, somatic; Gastrointestinal stroma tumor. Identifiers: Orphanet 44890, MedGen C0238198, MeSH D046152, MONDO:0011719, OMIM 606764, HP:0100723.
Hereditary pheochromocytoma and paraganglioma. Also called: Hereditary paragangliomas and pheochromocytomas; Hereditary Paraganglioma-Pheochromocytoma Syndromes; Hereditary pheochromocytoma-paraganglioma. Identifiers: Orphanet 29072, MedGen C4274332, MONDO:0017366.

Allele frequency attached by ClinVar (database versions not stated): gnomAD exomes below 0.00001.
gnomAD v4.1: 1 of 1,612,258 alleles (0.000062%); highest among the groups gnomAD compares: Non-Finnish European, 0.000085%; no homozygotes.

Submissions (4):

Ambry Genetics
Classification: Uncertain significance for Hereditary cancer-predisposing syndrome. Last evaluated: 2026-05-12. Review status: criteria provided, single submitter. Criteria: Ambry Variant Classification Scheme 2023. Collection method: clinical testing. Allele origin: germline.
Comment: The p.L183F variant (also known as c.547C>T), located in coding exon 6 of the SDHB gene, results from a C to T substitution at nucleotide position 547. The leucine at codon 183 is replaced by phenylalanine, an amino acid with highly similar properties. This amino acid position is conserved. In addition, this alteration is predicted to be deleterious by in silico analysis. Based on the available evidence, the clinical significance of this variant remains unclear.

Labcorp Genetics (formerly Invitae), Labcorp
Classification: Uncertain significance for Gastrointestinal stromal tumor; Pheochromocytoma/paraganglioma syndrome 4; Pheochromocytoma. Last evaluated: 2025-10-01. Review status: criteria provided, single submitter. Criteria: Invitae Variant Classification Sherloc (09022015). Collection method: clinical testing. Allele origin: germline.
Comment: This sequence change replaces leucine, which is neutral and non-polar, with phenylalanine, which is neutral and non-polar, at codon 183 of the SDHB protein (p.Leu183Phe). This variant is not present in population databases (gnomAD no frequency). This variant has not been reported in the literature in individuals affected with SDHB-related conditions. ClinVar contains an entry for this variant (Variation ID: 580116). Invitae Evidence Modeling of protein sequence and biophysical properties (such as structural, functional, and spatial information, amino acid conservation, physicochemical variation, residue mobility, and thermodynamic stability) indicates that this missense variant is expected to disrupt SDHB protein function with a positive predictive value of 80%. In summary, the available evidence is currently insufficient to determine the role of this variant in disease. Therefore, it has been classified as a Variant of Uncertain Significance.

All of Us Research Program, National Institutes of Health
Classification: Uncertain significance for Hereditary pheochromocytoma and paraganglioma. Last evaluated: 2024-05-30. Review status: criteria provided, single submitter. Criteria: ACMG Guidelines, 2015. Collection method: clinical testing. Allele origin: germline. Inheritance: Autosomal dominant inheritance. Observed: 3 variant alleles, 3 heterozygotes.
Comment: This missense variant replaces leucine with phenylalanine at codon 183 of the SDHB protein. Computational prediction suggests that this variant may have deleterious impact on protein structure and function (internally defined REVEL score threshold >= 0.7, PMID: 27666373). To our knowledge, functional studies have not been reported for this variant. This variant has not been reported in individuals affected with SDHB-related disorders in the literature. This variant has not been identified in the general population by the Genome Aggregation Database (gnomAD). The available evidence is insufficient to determine the role of this variant in disease conclusively. Therefore, this variant is classified as a Variant of Uncertain Significance.

This study involves interpretation of variants in research participants for the purpose of population health screening. Participant phenotype was not available at the time of variant classification. Additional details can be found in publication PMID: 35346344, PMCID: PMC8962531

St. Jude Molecular Pathology, St. Jude Children's Research Hospital
Classification: Uncertain significance for Hereditary pheochromocytoma and paraganglioma. Last evaluated: 2021-06-24. Review status: criteria provided, single submitter. Criteria: St. Jude Assertion Criteria 2020. Collection method: clinical testing. Allele origin: germline.
Comment: The SDHB c.547C>T (p.Leu183Phe) missense change is absent in gnomAD v2.1.1 (PM2_Supporting). Seven of seven in silico tools predict a deleterious effect of this variant on protein function (PP3), but to our knowledge these predictions have not been confirmed by functional assays. To our knowledge, this variant has not been reported in individuals with hereditary paraganglioma-pheochromocytoma. In summary, this variant meets criteria to be classified as of uncertain significance based on the ACMG/AMP criteria: PM2_Supporting, PP3.